The following is an entry in ClinVar:

NM_021614.4(KCNN2):c.2034A>G (p.Lys678=)

Genes: KCNN2 (potassium calcium-activated channel subfamily N member 2; plus strand), KCNN2-AS1 (KCNN2 antisense RNA 1; minus strand). Cytogenetic location: 5q22.3.
Variant type: single nucleotide variant.
Coding change: c.2034A>G on transcript NM_021614.4 (MANE Select); coding-DNA position 2034, A replaced by G.
Protein change: p.Lys678=; no amino-acid change (lysine 678 retained).
Molecular consequence: synonymous variant. On other transcripts: non-coding transcript variant (2).
Genome position (GRCh38, 1-based): chr5:114,493,418, A>G. VCF-style: chr5-114493418-A-G. GRCh37 (hg19) VCF-style: chr5-113829115-A-G.
Other names: c.2232A>G, p.Lys744= (NM_001372233.1); c.354A>G, p.Lys118= (NM_170775.3).
Identifiers: ClinVar variation 3898448 (VCV003898448.7).

ClinVar aggregate classification (germline): Likely benign (1 of 4 stars; one submission).

gnomAD v4.1: 17 of 1,603,364 alleles (0.0011%); highest among the groups gnomAD compares: Non-Finnish European, 0.0014%; no homozygotes.

Submission:

CeGaT Center for Human Genetics Tuebingen
Classification: Likely benign. Last evaluated: 2025-04-01. Review status: criteria provided, single submitter. Criteria: CeGaT Center For Human Genetics Tuebingen Variant Classification Criteria Version 2. Collection method: clinical testing. Allele origin: germline. Affected: yes. Observed: 1 variant allele.
Comment: KCNN2: BP4, BP7